The following is an entry in ClinVar:

ClinVar aggregate classification (germline): Pathogenic (1 of 4 stars; one submission).

Conditions:
Multiple endocrine neoplasia, type 1 (MEN1). Also called: MEN I; WERMER SYNDROME; Endocrine adenomatosis multiple; MEN 1; MEA I. Identifiers: Orphanet 652, MedGen C0025267, MeSH D018761, MONDO:0007540, OMIM 131100.

Submission:

Labcorp Genetics (formerly Invitae), Labcorp
Classification: Pathogenic for Multiple endocrine neoplasia, type 1. Last evaluated: 2023-10-22. Review status: criteria provided, single submitter. Criteria: Invitae Variant Classification Sherloc (09022015). Collection method: clinical testing. Allele origin: germline.
Comment: This sequence change creates a premature translational stop signal (p.Asp70Argfs*48) in the MEN1 gene. It is expected to result in an absent or disrupted protein product. Loss-of-function variants in MEN1 are known to be pathogenic (PMID: 12112656, 17853334). This variant is not present in population databases (gnomAD no frequency). This variant has not been reported in the literature in individuals affected with MEN1-related conditions. For these reasons, this variant has been classified as Pathogenic.

Literature cited by the submitters: PubMed 12112656; PubMed 17853334.

NM_001370259.2(MEN1):c.208_211del (p.Asp70fs)

Gene: MEN1 (menin 1; minus strand). Cytogenetic location: 11q13.1.
Variant type: Deletion.
Coding change: c.208_211del on transcript NM_001370259.2 (MANE Select); coding-DNA positions 208 to 211, 4 bases deleted (GACC; older notation c.208_211delGACC).
Protein change: p.Asp70fs; shifts the reading frame from aspartic acid 70.
Molecular consequence: frameshift variant. On other transcripts: non-coding transcript variant (4).
Genome position (GRCh38, 1-based): chr11:64,809,899-64,809,902, GGTC deleted on the plus strand (GACC on the coding strand, the reverse complement: MEN1 is on the minus strand); deleting any 4 consecutive bases within chr11:64,809,899-64,809,904 gives the same sequence; the c. name uses the placement nearest the transcript's 3' end. VCF-style (leftmost placement, unchanged base first): chr11-64809898-GGGTC-G. GRCh37 (hg19) VCF-style: chr11-64577370-GGGTC-G.
Other names: c.208_211del, p.Asp70fs (NM_001407143.1, NM_001407144.1, NM_001407145.1 and 20 more transcripts); short protein forms D70fs.
Identifiers: ClinVar variation 2746278 (VCV002746278.3), dbSNP rs2497276811, ClinGen allele CA2697548627.
Genomic context (GRCh38, chr11:64,809,898, plus strand): 5'-GCATAGAGGGCGGCGATGATAGACAGGTCGGCCACGGGAAAGTAGGTGAGGCCGCCAGGC[GGGTC>G]GGGGGCGGGGCTGGGCTGGAAGGTGAGCTCGGGAACGTTGGTAGGGATGACGCGGTTGAC-3'